The following is an entry in ClinVar:

ClinVar aggregate classification (germline): Uncertain significance (1 of 4 stars; one submission).

Allele frequency attached by ClinVar (database versions not stated): TOPMed below 0.00001; gnomAD 0.00001.
gnomAD v4.1: 8 of 1,613,866 alleles (0.0005%); highest among the groups gnomAD compares: African/African-American, 0.0013%; no homozygotes.

Submission:

Women's Health and Genetics/Laboratory Corporation of America, LabCorp
Classification: Uncertain significance. Last evaluated: 2024-03-29. Review status: criteria provided, single submitter. Criteria: LabCorp Variant Classification Summary - May 2015. Collection method: clinical testing. Allele origin: germline.
Comment: Variant summary: MED17 c.1856G>A (p.Arg619His) results in a non-conservative amino acid change in the encoded protein sequence. Three of five in-silico tools predict a benign effect of the variant on protein function. The variant was absent in 251388 control chromosomes. The available data on variant occurrences in the general population are insufficient to allow any conclusion about variant significance. To our knowledge, no occurrence of c.1856G>A in individuals affected with Microcephaly, Postnatal Progressive, with Seizures and Brain Atrophy and no experimental evidence demonstrating its impact on protein function have been reported. No submitters have cited clinical-significance assessments for this variant to ClinVar. Based on the evidence outlined above, the variant was classified as uncertain significance.

NM_004268.5(MED17):c.1856G>A (p.Arg619His)

Gene: MED17 (mediator complex subunit 17; plus strand). Cytogenetic location: 11q21.
Variant type: single nucleotide variant.
Coding change: c.1856G>A on transcript NM_004268.5 (MANE Select); coding-DNA position 1856, G replaced by A.
Protein change: p.Arg619His; replaces arginine 619 with histidine.
Molecular consequence: missense variant.
Genome position (GRCh38, 1-based): chr11:93,811,964, G>A. VCF-style: chr11-93811964-G-A. GRCh37 (hg19) VCF-style: chr11-93545130-G-A.
Other names: short protein forms R619H.
Identifiers: ClinVar variation 3233521 (VCV003233521.2), dbSNP rs1359862633, ClinGen allele CA382362849.